The following is an entry in ClinVar:

NM_000548.5(TSC2):c.3132-8T>A

Gene: TSC2 (TSC complex subunit 2; plus strand). Cytogenetic location: 16p13.3.
Variant type: single nucleotide variant.
Coding change: c.3132-8T>A on transcript NM_000548.5 (MANE Select); 8 bases into the intron before coding-DNA position 3132, T replaced by A.
Molecular consequence: intron variant.
Genome position (GRCh38, 1-based): chr16:2,079,268, T>A. VCF-style: chr16-2079268-T-A. GRCh37 (hg19) VCF-style: chr16-2129269-T-A.
Other names: c.1659-8T>A (NM_001406693.1, NM_001406690.1, NM_001406692.1 and 1 more transcripts); c.3093-8T>A (NM_001406667.1); c.3090-8T>A (NM_001406668.1); c.2532-8T>A (NM_001406680.1, NM_001406683.1, NM_001406682.1); c.2400-8T>A (NM_001406687.1, NM_001318831.2, NM_001406688.1); c.1788-8T>A (NM_001406689.1); c.1656-8T>A (NM_001406691.1, NM_001406697.1, NM_001406695.1 and 1 more transcripts); c.1398-8T>A (NM_001406698.1); and 18 more.
Identifiers: ClinVar variation 3648772 (VCV003648772.3).
Genomic context (GRCh38, chr16:2,079,268, plus strand): 5'-ACTACAGGGCTGGGCGGGCCTGCGGGAGCTCCACGGGCAAGCTGGGTTTCACGCTCCCTG[T>A]CTTCTAGGTCTCCTGTGGGCGAGTTCCTCCTAGCGGGTGGCAGGACCAAAACCTGGCTGG-3'

ClinVar aggregate classification (germline): Uncertain significance. Review status: criteria provided, multiple submitters, no conflicts (2 of 4 stars). 2 submissions from 2 submitters: Uncertain significance (2). Last evaluated 2025-05-28.

Conditions:
Tuberous sclerosis 2 (TSC2). Identifiers: Orphanet 805, MedGen C1860707, MONDO:0013199, OMIM 613254.
Tuberous sclerosis syndrome (TSC). Also called: Tuberous Sclerosis Complex; Tuberous sclerosis. Identifiers: Orphanet 805, MedGen C0041341, MONDO:0001734.

gnomAD v4.1: 1 of 1,612,800 alleles (0.000062%); highest among the groups gnomAD compares: Admixed American, 0.0017%; no homozygotes.

Submissions (2):

Color Diagnostics, LLC DBA Color Health
Classification: Uncertain significance for Tuberous sclerosis syndrome. Last evaluated: 2025-05-28. Review status: criteria provided, single submitter. Criteria: ACMG Guidelines, 2015. Collection method: clinical testing. Allele origin: germline.
Comment: This variant causes a T to A nucleotide substitution at the -8 position of intron 27/41 of the TSC2 gene. Splice prediction tools suggest that this variant may disrupt RNA splicing. To our knowledge, RNA studies have not been reported for this variant. This variant has not been reported in individuals affected with TSC2-related disorders in the literature. This variant has been identified in 1/31370 chromosomes in the general population by the Genome Aggregation Database (gnomAD). The available evidence is insufficient to determine the role of this variant in disease conclusively. Therefore, this variant is classified as a Variant of Uncertain Significance.

Labcorp Genetics (formerly Invitae), Labcorp
Classification: Uncertain significance for Tuberous sclerosis 2. Last evaluated: 2024-04-04. Review status: criteria provided, single submitter. Criteria: Invitae Variant Classification Sherloc (09022015). Collection method: clinical testing. Allele origin: germline.
Comment: This sequence change falls in intron 27 of the TSC2 gene. It does not directly change the encoded amino acid sequence of the TSC2 protein. This variant is present in population databases (no rsID available, gnomAD 0.1%). This variant has not been reported in the literature in individuals affected with TSC2-related conditions. Algorithms developed to predict the effect of sequence changes on RNA splicing suggest that this variant may disrupt the consensus splice site. In summary, the available evidence is currently insufficient to determine the role of this variant in disease. Therefore, it has been classified as a Variant of Uncertain Significance.